The following is an entry in ClinVar:

ClinVar aggregate classification (germline): Uncertain significance. Review status: criteria provided, multiple submitters, no conflicts (2 of 4 stars). 2 submissions from 2 submitters: Uncertain significance (2). Last evaluated 2025-10-15.

Conditions:
Inborn genetic diseases. Identifiers: MedGen C0950123, MeSH D030342.

gnomAD v4.1: 20 of 1,613,778 alleles (0.0012%); highest among the groups gnomAD compares: African/African-American, 0.004%; no homozygotes.

Submissions (2):

GeneDx
Classification: Uncertain significance. Last evaluated: 2025-10-15. Review status: criteria provided, single submitter. Criteria: GeneDx Variant Classification Process June 2021. Collection method: clinical testing. Allele origin: germline. Affected: yes.
Comment: In silico analysis suggests that this missense variant does not alter protein structure/function; Has not been previously published as pathogenic or benign to our knowledge

Ambry Genetics
Classification: Uncertain significance for Inborn genetic diseases. Last evaluated: 2024-05-20. Review status: criteria provided, single submitter. Criteria: Ambry Variant Classification Scheme 2023. Collection method: clinical testing. Allele origin: germline.

NM_006852.6(TLK2):c.292A>G (p.Thr98Ala)

Gene: TLK2 (tousled like kinase 2; plus strand). Cytogenetic location: 17q23.2.
Variant type: single nucleotide variant.
Coding change: c.292A>G on transcript NM_006852.6 (MANE Select); coding-DNA position 292, A replaced by G.
Protein change: p.Thr98Ala; replaces threonine 98 with alanine.
Molecular consequence: missense variant. On other transcripts: intron variant (6).
Genome position (GRCh38, 1-based): chr17:62,524,260, A>G. VCF-style: chr17-62524260-A-G. GRCh37 (hg19) VCF-style: chr17-60601621-A-G.
Other names: c.292A>G, p.Thr98Ala (NM_001284333.3, NM_001375270.1, NM_001375271.1); c.-85+1083A>G (NM_001375273.1, NM_001330418.3); c.267+1083A>G (NM_001375272.1, NM_001411074.1, NM_001284363.1); c.405+1083A>G (NM_001375269.1); short protein forms T98A.
Identifiers: ClinVar variation 3326313 (VCV003326313.3).